The following is an entry in ClinVar:

NM_201384.3(PLEC):c.5437G>T (p.Ala1813Ser)

Gene: PLEC (plectin; minus strand). Cytogenetic location: 8q24.3.
Variant type: single nucleotide variant.
Coding change: c.5437G>T on transcript NM_201384.3 (MANE Select); coding-DNA position 5437, G replaced by T.
Protein change: p.Ala1813Ser; replaces alanine 1813 with serine.
Molecular consequence: missense variant. On other transcripts: intron variant (1).
Genome position (GRCh38, 1-based): chr8:143,924,492, C>A on the plus strand (G>T on the coding strand, the complement: PLEC is on the minus strand). VCF-style: chr8-143924492-C-A. GRCh37 (hg19) VCF-style: chr8-144998660-C-A.
Other names: c.5518G>T, p.Ala1840Ser (NM_000445.5); c.5395G>T, p.Ala1799Ser (NM_201378.4); c.5371G>T, p.Ala1791Ser (NM_201379.3); c.5848G>T, p.Ala1950Ser (NM_201380.4); c.5341G>T, p.Ala1781Ser (NM_201381.3); c.5437G>T, p.Ala1813Ser (NM_201382.4); c.5449G>T, p.Ala1817Ser (NM_201383.3); c.4126-2097G>T (NM_001410941.1); short protein forms A1781S, A1791S, A1799S, A1813S, A1817S, A1840S, A1950S.
Identifiers: ClinVar variation 3755964 (VCV003755964.2).

ClinVar aggregate classification (germline): Uncertain significance (1 of 4 stars; one submission).

Conditions:
Epidermolysis bullosa simplex with nail dystrophy (EBS5D). Identifiers: MedGen C4225309, MONDO:0014661, OMIM 616487.
Epidermolysis bullosa simplex, Ogna type (EBS5A). Also called: Pidermolysis bullosa simplex 5A, Ogna type; EPIDERMOLYSIS BULLOSA SIMPLEX 5A, OGNA TYPE. Identifiers: Orphanet 79401, MedGen C0432317, MONDO:0007555, OMIM 131950.
Autosomal recessive limb-girdle muscular dystrophy type 2Q (LGMDR17). Also called: MUSCULAR DYSTROPHY, LIMB-GIRDLE, AUTOSOMAL RECESSIVE 17. Identifiers: Orphanet 254361, MedGen C3150989, MONDO:0013390, OMIM 613723.
Epidermolysis bullosa simplex 5B, with muscular dystrophy (EBS5B). Also called: EPIDERMOLYSIS BULLOSA SIMPLEX AND LIMB-GIRDLE MUSCULAR DYSTROPHY; Epidermolysis bullosa simplex with muscular dystrophy. Identifiers: Orphanet 257, MedGen C2931072, MONDO:0009181, OMIM 226670.
Epidermolysis bullosa simplex 5C, with pyloric atresia (EBS5C). Also called: PLEC-Related Epidermolysis Bullosa with Pyloric Atresia; Epidermolysis bullosa simplex with pyloric atresia; PLEC1-Related Epidermolysis Bullosa with Pyloric Atresia. Identifiers: Orphanet 158684, MedGen C2677349, MONDO:0012807, OMIM 612138.

gnomAD v4.1: 3 of 1,545,512 alleles (0.00019%); highest among the groups gnomAD compares: South Asian, 0.0035%; no homozygotes.

Submission:

Labcorp Genetics (formerly Invitae), Labcorp
Classification: Uncertain significance for Autosomal recessive limb-girdle muscular dystrophy type 2Q; Epidermolysis bullosa simplex, Ogna type; Epidermolysis bullosa simplex with nail dystrophy; Epidermolysis bullosa simplex 5C, with pyloric atresia; Epidermolysis bullosa simplex 5B, with muscular dystrophy. Last evaluated: 2024-04-22. Review status: criteria provided, single submitter. Criteria: Invitae Variant Classification Sherloc (09022015). Collection method: clinical testing. Allele origin: germline.
Comment: This sequence change replaces alanine, which is neutral and non-polar, with serine, which is neutral and polar, at codon 1840 of the PLEC protein (p.Ala1840Ser). This variant is not present in population databases (gnomAD no frequency). This variant has not been reported in the literature in individuals affected with PLEC-related conditions. Experimental studies and prediction algorithms are not available or were not evaluated, and the functional significance of this variant is currently unknown. In summary, the available evidence is currently insufficient to determine the role of this variant in disease. Therefore, it has been classified as a Variant of Uncertain Significance.